The following is an entry in ClinVar:

ClinVar aggregate classification (germline): Conflicting classifications of pathogenicity. Review status: criteria provided, conflicting classifications (1 of 4 stars). 8 submissions from 8 submitters: Pathogenic (4); Likely pathogenic (1); Uncertain significance (2). 1 of the submissions does not count toward it. Last evaluated 2025-11-04.

Conditions:
Galactosemia. Also called: Galactose intolerance. Identifiers: Orphanet 352, MedGen C0016952, MONDO:0018116, HP:0004919. Disease mechanism: loss of function.
Deficiency of UDPglucose-hexose-1-phosphate uridylyltransferase. Also called: GALACTOSE-1-PHOSPHATE URIDYLYLTRANSFERASE DEFICIENCY; GALT deficiency; Galactosemia, classic; Transferase Deficiency Galactosemia; GALACTOSEMIA I. Identifiers: Orphanet 352, Orphanet 79239, MedGen C0268151, MONDO:0009258, OMIM 230400.

Allele frequency attached by ClinVar (database versions not stated): ExAC 0.00002.
gnomAD v4.1: 10 of 1,613,344 alleles (0.00062%); highest among the groups gnomAD compares: African/African-American, 0.004%; no homozygotes.

Submissions (8):

Natera, Inc.
Classification: Pathogenic for Galactosemia. Last evaluated: 2025-11-04. Review status: criteria provided, single submitter. Criteria: Natera Variant Classification Schema (03/2026). Collection method: clinical testing. Allele origin: germline.
Comment: The c.815G>A variant in GALT is a missense variant predicted to cause substitution of arginine to histidine at amino acid 272. This variant is rare in the general population with a frequency below the threshold expected for the associated phenotype(s). This variant has been observed in one or more individuals affected with the associated recessive disease, as either homozygous or compound heterozygous with a second variant (PMID: 22944367). Given the available evidence, this variant is classified as Pathogenic.

Mayo Clinic Laboratories, Mayo Clinic
Classification: Pathogenic. Last evaluated: 2025-06-20. Review status: criteria provided, single submitter. Criteria: ACMG Guidelines, 2015. Collection method: clinical testing. Allele origin: germline. Observed: 1 variant allele.
Comment: PP3, PP4, PM2_supporting, PM3_very_strong, PM5, PS3_moderate

Labcorp Genetics (formerly Invitae), Labcorp
Classification: Pathogenic for Deficiency of UDPglucose-hexose-1-phosphate uridylyltransferase. Last evaluated: 2025-01-14. Review status: criteria provided, single submitter. Criteria: Invitae Variant Classification Sherloc (09022015). Collection method: clinical testing. Allele origin: germline.
Comment: This sequence change replaces arginine, which is basic and polar, with histidine, which is basic and polar, at codon 272 of the GALT protein (p.Arg272His). This variant is present in population databases (rs111033831, gnomAD 0.003%). This missense change has been observed in individual(s) with galactosemia (PMID: 22944367; internal data). ClinVar contains an entry for this variant (Variation ID: 38277). Invitae Evidence Modeling of protein sequence and biophysical properties (such as structural, functional, and spatial information, amino acid conservation, physicochemical variation, residue mobility, and thermodynamic stability) indicates that this missense variant is expected to disrupt GALT protein function with a positive predictive value of 95%. This variant disrupts the p.Arg272 amino acid residue in GALT. Other variant(s) that disrupt this residue have been observed in individuals with GALT-related conditions (PMID: 20151200), which suggests that this may be a clinically significant amino acid residue. For these reasons, this variant has been classified as Pathogenic.

Baylor Genetics
Classification: Pathogenic for Deficiency of UDPglucose-hexose-1-phosphate uridylyltransferase. Last evaluated: 2023-12-20. Review status: criteria provided, single submitter. Criteria: ACMG Guidelines, 2015. Collection method: clinical testing. Allele origin: unknown.

Women's Health and Genetics/Laboratory Corporation of America, LabCorp
Classification: Uncertain significance. Last evaluated: 2017-10-06. Review status: criteria provided, single submitter. Criteria: LabCorp Variant Classification Summary - May 2015. Collection method: clinical testing. Allele origin: germline.
Comment: Variant summary: The GALT c.815G>A (p.Arg272His) variant involves the alteration of a conserved nucleotide. 4/4 in silico tools predict a damaging outcome for this variant (SNPsandGO not captured due to low reliability index). This variant was found in 2/245620 control chromosomes (gnomAD) at a frequency of 0.0000081, which does not exceed the estimated maximal expected allele frequency of a pathogenic GALT variant (0.0028868). This variant has been reported in three patients in compound heterozygous state with another pathogenic mutation (Boutron_2012). Another missense change at the same residue Arg272Gly has also been reported in a patient with galactesemia and is classified as pathogenic by a database in ClinVar. Taken together, this variant is classified as VUS - possibly pathogenic.

Eurofins Ntd Llc (ga)
Classification: Uncertain significance. Last evaluated: 2015-10-26. Review status: criteria provided, single submitter. Criteria: EGL Classification Definitions 2015. Collection method: clinical testing. Allele origin: germline. Observed: 1 variant allele, 1 heterozygote.

Kasturba Medical College, Manipal, Kasturba Medical College, Manipal, Manipal Academy of Higher Education, Manipal, India
Classification: Likely pathogenic for Deficiency of UDPglucose-hexose-1-phosphate uridylyltransferase. Review status: criteria provided, single submitter. Criteria: ACMG Guidelines, 2015. Collection method: clinical testing. Allele origin: germline. Inheritance: Autosomal recessive inheritance. Affected: yes. Observed: 1 homozygote.

Counsyl
Classification: Likely pathogenic for Deficiency of UDPglucose-hexose-1-phosphate uridylyltransferase. Last evaluated: 2017-04-12. Review status: no assertion criteria provided. Collection method: clinical testing. Allele origin: unknown. Not counted in ClinVar's aggregate classification.

Literature cited by the submitters: PubMed 22944367 (cited by 6 submitters); PubMed 20008339 (cited by Mayo Clinic Laboratories, Mayo Clinic); PubMed 20151200 (cited by Mayo Clinic Laboratories, Mayo Clinic and Labcorp Genetics (formerly Invitae), Labcorp); PubMed 21501963 (cited by Mayo Clinic Laboratories, Mayo Clinic); PubMed 23690308 (cited by Mayo Clinic Laboratories, Mayo Clinic and Counsyl); PubMed 31194895 (cited by Mayo Clinic Laboratories, Mayo Clinic); PubMed 36732629 (cited by Mayo Clinic Laboratories, Mayo Clinic); PubMed 37563963 (cited by Mayo Clinic Laboratories, Mayo Clinic).

NM_000155.4(GALT):c.815G>A (p.Arg272His)

Gene: GALT (galactose-1-phosphate uridylyltransferase; plus strand). Cytogenetic location: 9p13.3.
Variant type: single nucleotide variant.
Coding change: c.815G>A on transcript NM_000155.4 (MANE Select); coding-DNA position 815, G replaced by A.
Protein change: p.Arg272His; replaces arginine 272 with histidine.
Molecular consequence: missense variant.
Genome position (GRCh38, 1-based): chr9:34,648,889, G>A. VCF-style: chr9-34648889-G-A. GRCh37 (hg19) VCF-style: chr9-34648886-G-A.
Other names: p.Arg272His; c.488G>A, p.Arg163His (NM_001258332.2); short protein forms R272H, R163H.
Identifiers: ClinVar variation 38277 (VCV000038277.21), dbSNP rs111033831, ClinGen allele CA259507.